The following is an entry in ClinVar:

ClinVar aggregate classification (germline): Uncertain significance (1 of 4 stars; one submission).

Allele frequency attached by ClinVar (database versions not stated): TOPMed below 0.00001.

Submission:

Labcorp Genetics (formerly Invitae), Labcorp
Classification: Uncertain significance. Last evaluated: 2022-04-25. Review status: criteria provided, single submitter. Criteria: Invitae Variant Classification Sherloc (09022015). Collection method: clinical testing. Allele origin: germline.
Comment: In summary, the available evidence is currently insufficient to determine the role of this variant in disease. Therefore, it has been classified as a Variant of Uncertain Significance. Algorithms developed to predict the effect of missense changes on protein structure and function output the following: SIFT: "Tolerated"; PolyPhen-2: "Benign"; Align-GVGD: "Class C0". The leucine amino acid residue is found in multiple mammalian species, which suggests that this missense change does not adversely affect protein function. This variant has not been reported in the literature in individuals affected with EYS-related conditions. This variant is present in population databases (no rsID available, gnomAD 0.004%). This sequence change replaces proline, which is neutral and non-polar, with leucine, which is neutral and non-polar, at codon 158 of the EYS protein (p.Pro158Leu).

NM_001142800.2(EYS):c.473C>T (p.Pro158Leu)

Gene: EYS (EGF-like photoreceptor maintenance factor; minus strand). Cytogenetic location: 6q12.
Variant type: single nucleotide variant.
Coding change: c.473C>T on transcript NM_001142800.2 (MANE Select); coding-DNA position 473, C replaced by T.
Protein change: p.Pro158Leu; replaces proline 158 with leucine.
Molecular consequence: missense variant.
Genome position (GRCh38, 1-based): chr6:65,494,938, G>A on the plus strand (C>T on the coding strand, the complement: EYS is on the minus strand). VCF-style: chr6-65494938-G-A. GRCh37 (hg19) VCF-style: chr6-66204831-G-A.
Other names: c.473C>T, p.Pro158Leu (NM_001142801.2, NM_001292009.2, NM_198283.2); short protein forms P158L.
Identifiers: ClinVar variation 2418195 (VCV002418195.6), dbSNP rs1230059614, ClinGen allele CA364789833.
Genomic context (GRCh38, chr6:65,494,938, plus strand): 5'-AGAGATTCCTGGCAGAACTGCTGTTTCACTGTCACATTTAGTCGAAGTCCCAGTGGACAA[G>A]GTGATGGACCACTTGCCATAACTGTGATAAAATAATGTGTCCCAACACTCAGCCACTTAG-3'
Protein context (NP_001136272.1, residues 148-168): FITVMASGPS[Pro158Leu]CPLGLRLNVT